The following is an entry in ClinVar:

ClinVar aggregate classification (germline): Benign/Likely benign. Review status: criteria provided, multiple submitters, no conflicts (2 of 4 stars). 3 submissions from 3 submitters: Benign (1); Likely benign (2). Last evaluated 2026-01-27.

Allele frequency attached by ClinVar (database versions not stated): gnomAD 0.00001; TOPMed 0.00002; ExAC 0.00036; 1000 Genomes Project 30x 0.00083.
gnomAD v4.1: 34 of 1,207,212 alleles (0.0028%); highest among the groups gnomAD compares: Admixed American, 0.074%; no homozygotes.

Submissions (3):

Women's Health and Genetics/Laboratory Corporation of America, LabCorp
Classification: Likely benign. Last evaluated: 2026-01-27. Review status: criteria provided, single submitter. Criteria: LabCorp Variant Classification Summary - May 2015. Collection method: clinical testing. Allele origin: germline.

CeGaT Center for Human Genetics Tuebingen
Classification: Likely benign. Last evaluated: 2025-10-01. Review status: criteria provided, single submitter. Criteria: CeGaT Center For Human Genetics Tuebingen Variant Classification Criteria Version 2. Collection method: clinical testing. Allele origin: germline. Affected: yes. Observed: 1 variant allele.
Comment: SOX3: BP4, BP7, BS2

Labcorp Genetics (formerly Invitae), Labcorp
Classification: Benign. Last evaluated: 2022-08-20. Review status: criteria provided, single submitter. Criteria: Invitae Variant Classification Sherloc (09022015). Collection method: clinical testing. Allele origin: germline.

NM_005634.3(SOX3):c.87C>G (p.Pro29=)

Genes: SOX3 (SRY-box transcription factor 3; minus strand), LOC108281134 (SOX3 promoter region; plus strand). Cytogenetic location: Xq27.1.
Variant type: single nucleotide variant.
Coding change: c.87C>G on transcript NM_005634.3 (MANE Select); coding-DNA position 87, C replaced by G.
Protein change: p.Pro29=; no amino-acid change (proline 29 retained).
Molecular consequence: synonymous variant.
Genome position (GRCh38, 1-based): chrX:140,504,974, G>C on the plus strand (C>G on the coding strand, the complement: SOX3 is on the minus strand). VCF-style: chrX-140504974-G-C. GRCh37 (hg19) VCF-style: chrX-139587139-G-C.
Identifiers: ClinVar variation 1959740 (VCV001959740.12), dbSNP rs201949579, ClinGen allele CA10531680.